The following is an entry in ClinVar:

ClinVar aggregate classification (germline): Uncertain significance (1 of 4 stars; one submission).

Submission:

Labcorp Genetics (formerly Invitae), Labcorp
Classification: Uncertain significance. Last evaluated: 2025-09-10. Review status: criteria provided, single submitter. Criteria: Invitae Variant Classification Sherloc (09022015). Collection method: clinical testing. Allele origin: germline.
Comment: This sequence change replaces glutamic acid, which is acidic and polar, with aspartic acid, which is acidic and polar, at codon 749 of the KCNH1 protein (p.Glu749Asp). This variant is not present in population databases (gnomAD no frequency). This variant has not been reported in the literature in individuals affected with KCNH1-related conditions. ClinVar contains an entry for this variant (Variation ID: 2826531). Invitae Evidence Modeling of protein sequence and biophysical properties (such as structural, functional, and spatial information, amino acid conservation, physicochemical variation, residue mobility, and thermodynamic stability) indicates that this missense variant is not expected to disrupt KCNH1 protein function with a negative predictive value of 95%. In summary, the available evidence is currently insufficient to determine the role of this variant in disease. Therefore, it has been classified as a Variant of Uncertain Significance.

NM_172362.3(KCNH1):c.2247G>C (p.Glu749Asp)

Gene: KCNH1 (potassium voltage-gated channel subfamily H member 1; minus strand). Cytogenetic location: 1q32.2.
Variant type: single nucleotide variant.
Coding change: c.2247G>C on transcript NM_172362.3 (MANE Select); coding-DNA position 2247, G replaced by C.
Protein change: p.Glu749Asp; replaces glutamic acid 749 with aspartic acid.
Molecular consequence: missense variant.
Genome position (GRCh38, 1-based): chr1:210,684,004, C>G on the plus strand (G>C on the coding strand, the complement: KCNH1 is on the minus strand). VCF-style: chr1-210684004-C-G. GRCh37 (hg19) VCF-style: chr1-210857346-C-G.
Other names: c.2166G>C, p.Glu722Asp (NM_002238.4); short protein forms E722D, E749D.
Identifiers: ClinVar variation 2826531 (VCV002826531.3), dbSNP rs1681344455, ClinGen allele CA344871557.